The following is an entry in ClinVar:

NM_017514.5(PLXNA3):c.4380A>G (p.Arg1460=)

Gene: PLXNA3 (plexin A3; plus strand). Cytogenetic location: Xq28.
Variant type: single nucleotide variant.
Coding change: c.4380A>G on transcript NM_017514.5 (MANE Select); coding-DNA position 4380, A replaced by G.
Protein change: p.Arg1460=; no amino-acid change (arginine 1460 retained).
Molecular consequence: synonymous variant.
Genome position (GRCh38, 1-based): chrX:154,468,915, A>G. VCF-style: chrX-154468915-A-G. GRCh37 (hg19) VCF-style: chrX-153697258-A-G.
Identifiers: ClinVar variation 3357671 (VCV003357671.1).

ClinVar aggregate classification (germline): Likely benign (0 of 4 stars; one submission).

Conditions:
PLXNA3-related disorder. Also called: PLXNA3-related condition.

gnomAD v4.1: 14 of 1,210,064 alleles (0.0012%); highest among the groups gnomAD compares: African/African-American, 0.023%; no homozygotes.

Submission:

PreventionGenetics, part of Exact Sciences
Classification: Likely benign for PLXNA3-related condition. Last evaluated: 2024-02-21. Review status: no assertion criteria provided. Collection method: clinical testing. Allele origin: germline.
Comment: This variant is classified as likely benign based on ACMG/AMP sequence variant interpretation guidelines (Richards et al. 2015 PMID: 25741868, with internal and published modifications).